The following is an entry in ClinVar:

ClinVar aggregate classification (germline): Benign. Review status: criteria provided, multiple submitters, no conflicts (2 of 4 stars). 10 submissions from 10 submitters: Benign (9). 1 of the submissions does not count toward it. Last evaluated 2026-02-04.

Conditions:
Agenesis of the corpus callosum with peripheral neuropathy (ACCPN). Also called: HMSN/ACC; Hereditary Motor and Sensory Neuropathy with Agenesis of the Corpus Callosum; CHARLEVOIX DISEASE; POLYNEUROPATHY, SENSORIMOTOR, WITH OR WITHOUT AGENESIS OF THE CORPUS CALLOSUM. Identifiers: Orphanet 1496, MedGen C0795950, MONDO:0000902, OMIM 218000. Disease mechanism: loss of function.

Allele frequency attached by ClinVar (database versions not stated): ESP Exome Variant Server 0.15510; gnomAD 0.16143 and 0.16568; TOPMed 0.16520; 1000 Genomes Project 30x 0.20112; 1000 Genomes Project 0.20687.
gnomAD v4.1: 285,063 of 1,604,754 alleles (18%); highest among the groups gnomAD compares: Middle Eastern, 28%; 26,099 homozygotes.

Submissions (10):

Labcorp Genetics (formerly Invitae), Labcorp
Classification: Benign. Last evaluated: 2026-02-04. Review status: criteria provided, single submitter. Criteria: Invitae Variant Classification Sherloc (09022015). Collection method: clinical testing. Allele origin: germline.

Genome-Nilou Lab
Classification: Benign for Agenesis of the corpus callosum with peripheral neuropathy. Last evaluated: 2021-07-10. Review status: criteria provided, single submitter. Criteria: ACMG Guidelines, 2015. Collection method: clinical testing. Allele origin: germline. Affected: no.

Women's Health and Genetics/Laboratory Corporation of America, LabCorp
Classification: Benign. Last evaluated: 2020-12-14. Review status: criteria provided, single submitter. Criteria: LabCorp Variant Classification Summary - May 2015. Collection method: clinical testing. Allele origin: germline.

Illumina Laboratory Services, Illumina
Classification: Benign for Agenesis of the corpus callosum with peripheral neuropathy. Last evaluated: 2018-01-12. Review status: criteria provided, single submitter. Criteria: ICSL Variant Classification Criteria 13 December 2019. Collection method: clinical testing. Allele origin: germline.
Comment: This variant was observed in the ICSL laboratory as part of a predisposition screen in an ostensibly healthy population. It had not been previously curated by ICSL or reported in the Human Gene Mutation Database (HGMD: prior to June 1st, 2018), and was therefore a candidate for classification through an automated scoring system. Utilizing variant allele frequency, disease prevalence and penetrance estimates, and inheritance mode, an automated score was calculated to assess if this variant is too frequent to cause the disease. Based on the score and internal cut-off values, a variant classified as benign is not then subjected to further curation. The score for this variant resulted in a classification of benign for this disease.

Mayo Clinic Laboratories, Mayo Clinic
Classification: Benign. Last evaluated: 2016-03-03. Review status: criteria provided, single submitter. Criteria: ACMG Guidelines, 2015. Collection method: clinical testing. Allele origin: germline. Observed: 755 variant alleles.

GeneDx
Classification: Benign. Last evaluated: 2014-02-28. Review status: criteria provided, single submitter. Criteria: GeneDx Variant Classification (06012015). Collection method: clinical testing. Allele origin: germline. Affected: yes.
Comment: This variant is considered likely benign or benign based on one or more of the following criteria: it is a conservative change, it occurs at a poorly conserved position in the protein, it is predicted to be benign by multiple in silico algorithms, and/or has population frequency not consistent with disease.

Genetic Services Laboratory, University of Chicago
Classification: Benign. Last evaluated: 2013-02-08. Review status: criteria provided, single submitter. Criteria: ACMG Guidelines, 2007. Collection method: clinical testing. Allele origin: germline. Inheritance: Autosomal recessive inheritance.

Breakthrough Genomics
Classification: Benign. Review status: criteria provided, single submitter. Criteria: ACMG Guidelines, 2015. Collection method: not provided. Allele origin: germline. Inheritance: Autosomal recessive inheritance. Affected: yes.

PreventionGenetics, part of Exact Sciences
Classification: Benign. Review status: criteria provided, single submitter. Criteria: ACMG Guidelines, 2015. Collection method: clinical testing. Allele origin: germline.

Natera, Inc.
Classification: Benign for Andermann syndrome. Last evaluated: 2020-09-16. Review status: no assertion criteria provided. Collection method: clinical testing. Allele origin: germline. Not counted in ClinVar's aggregate classification.

NM_001365088.1(SLC12A6):c.1236G>A (p.Ser412=)

Gene: SLC12A6 (solute carrier family 12 member 6; minus strand). Cytogenetic location: 15q14.
Variant type: single nucleotide variant.
Coding change: c.1236G>A on transcript NM_001365088.1 (MANE Select); coding-DNA position 1236, G replaced by A.
Protein change: p.Ser412=; no amino-acid change (serine 412 retained).
Molecular consequence: synonymous variant.
Genome position (GRCh38, 1-based): chr15:34,252,267, C>T on the plus strand (G>A on the coding strand, the complement: SLC12A6 is on the minus strand). VCF-style: chr15-34252267-C-T. GRCh37 (hg19) VCF-style: chr15-34544468-C-T.
Other names: p.S412S:TCG>TCA; p.Ser412=; c.1059G>A, p.Ser353= (NM_001042494.2, NM_001042495.2); c.1209G>A, p.Ser403= (NM_001042496.2); c.1191G>A, p.Ser397= (NM_001042497.2); c.1083G>A, p.Ser361= (NM_005135.2); c.1236G>A, p.Ser412= (NM_133647.2).
Identifiers: ClinVar variation 139119 (VCV000139119.25), dbSNP rs2290940, ClinGen allele CA173417.